The following is an entry in ClinVar:

NM_001363.5(DKC1):c.640+3G>A

Gene: DKC1 (dyskerin pseudouridine synthase 1; plus strand). Cytogenetic location: Xq28.
Variant type: single nucleotide variant.
Coding change: c.640+3G>A on transcript NM_001363.5 (MANE Select); 3 bases into the intron after coding-DNA position 640, G replaced by A.
Molecular consequence: intron variant.
Genome position (GRCh38, 1-based): chrX:154,767,385, G>A. VCF-style: chrX-154767385-G-A. GRCh37 (hg19) VCF-style: chrX-153995660-G-A.
Other names: c.640+3G>A (NM_001288747.2, NM_001142463.3).
Identifiers: ClinVar variation 936238 (VCV000936238.8), dbSNP rs1557264306, ClinGen allele CA645246958.

ClinVar aggregate classification (germline): Uncertain significance. Review status: criteria provided, multiple submitters, no conflicts (2 of 4 stars). 2 submissions from 2 submitters: Uncertain significance (2). Last evaluated 2025-08-06.

Conditions:
Dyskeratosis congenita. Identifiers: Orphanet 1775, MedGen C0265965, MONDO:0015780.

Allele frequency attached by ClinVar (database versions not stated): gnomAD 0.00001; gnomAD exomes 0.00001 and below 0.00001; TOPMed below 0.00001.
gnomAD v4.1: 4 of 1,209,886 alleles (0.00033%); highest among the groups gnomAD compares: Admixed American, 0.0066%; no homozygotes.

Submissions (2):

Labcorp Genetics (formerly Invitae), Labcorp
Classification: Uncertain significance for Dyskeratosis congenita. Last evaluated: 2025-08-06. Review status: criteria provided, single submitter. Criteria: Invitae Variant Classification Sherloc (09022015). Collection method: clinical testing. Allele origin: germline.
Comment: This sequence change falls in intron 7 of the DKC1 gene. It does not directly change the encoded amino acid sequence of the DKC1 protein. It affects a nucleotide within the consensus splice site. The frequency data for this variant in the population databases is considered unreliable, as metrics indicate poor data quality at this position in the gnomAD database. This variant has not been reported in the literature in individuals affected with DKC1-related conditions. ClinVar contains an entry for this variant (Variation ID: 936238). Variants that disrupt the consensus splice site are a relatively common cause of aberrant splicing (PMID: 17576681, 9536098). Algorithms developed to predict the effect of sequence changes on RNA splicing suggest that this variant is not likely to affect RNA splicing. In summary, the available evidence is currently insufficient to determine the role of this variant in disease. Therefore, it has been classified as a Variant of Uncertain Significance.

Dasa
Classification: Uncertain significance. Last evaluated: 2024-11-11. Review status: criteria provided, single submitter. Criteria: DASA Assertion Criteria. Collection method: clinical testing. Allele origin: germline.
Comment: NM_001363.5(DKC1):c.640+3G>A is a splice-region variant. This variant is rare in population databases. Computational prediction algorithms are consistent with a benign effect. The currently available literature and clinical evidence are not sufficient to establish a definitive association between this variant and the reported condition. Therefore, this variant is classified as a variant of uncertain significance.

Literature cited by the submitters: PubMed 17576681 (cited by Labcorp Genetics (formerly Invitae), Labcorp); PubMed 9536098 (cited by Labcorp Genetics (formerly Invitae), Labcorp).